The following is an entry in ClinVar:

ClinVar aggregate classification (germline): Pathogenic (1 of 4 stars; one submission).

gnomAD v4.1: 1 of 1,614,224 alleles (0.000062%); highest among the groups gnomAD compares: Non-Finnish European, 0.000085%; no homozygotes.

Submission:

Labcorp Genetics (formerly Invitae), Labcorp
Classification: Pathogenic. Last evaluated: 2023-07-17. Review status: criteria provided, single submitter. Criteria: Invitae Variant Classification Sherloc (09022015). Collection method: clinical testing. Allele origin: germline.
Comment: This variant has not been reported in the literature in individuals affected with CSF1R-related conditions. For these reasons, this variant has been classified as Pathogenic. Algorithms developed to predict the effect of sequence changes on RNA splicing suggest that this variant may disrupt the consensus splice site. ClinVar contains an entry for this variant (Variation ID: 2024481). This variant is not present in population databases (gnomAD no frequency). This sequence change creates a premature translational stop signal (p.Cys278*) in the CSF1R gene. It is expected to result in an absent or disrupted protein product. Loss-of-function variants in CSF1R are known to be pathogenic (PMID: 24145216, 24336230, 24120500).

Literature cited by the submitters: PubMed 24145216; PubMed 24336230; PubMed 24120500.

NM_001288705.3(CSF1R):c.834C>A (p.Cys278Ter)

Gene: CSF1R (colony stimulating factor 1 receptor; minus strand). Cytogenetic location: 5q32.
Variant type: single nucleotide variant.
Coding change: c.834C>A on transcript NM_001288705.3 (MANE Select); coding-DNA position 834, C replaced by A.
Protein change: p.Cys278Ter; replaces cysteine 278 with a stop codon.
Molecular consequence: nonsense. On other transcripts: non-coding transcript variant (2).
Genome position (GRCh38, 1-based): chr5:150,077,331, G>T on the plus strand (C>A on the coding strand, the complement: CSF1R is on the minus strand). VCF-style: chr5-150077331-G-T. GRCh37 (hg19) VCF-style: chr5-149456894-G-T.
Other names: c.834C>A, p.Cys278Ter (NM_001349736.2, NM_001375320.1, NM_005211.4); c.390C>A, p.Cys130Ter (NM_001375321.1); short protein forms C278*, C130*.
Identifiers: ClinVar variation 2024481 (VCV002024481.4), dbSNP rs543585518, ClinGen allele CA361728892.
Genomic context (GRCh38, chr5:150,077,331, plus strand): 5'-CTTACCTACCACCCGGAAGAACATGGAGGTGGAGTGCTTGCCCTGCACGTTGCTGGCCAC[G>T]CAGGAGTAGTTGCCGGCATGTTGGAAATCTACTTGATCGAGGTTGAGGGTCAGGACTTTT-3'